The following is an entry in ClinVar:

ClinVar aggregate classification (germline): Uncertain significance. Review status: criteria provided, multiple submitters, no conflicts (2 of 4 stars). 2 submissions from 2 submitters: Uncertain significance (2). Last evaluated 2024-10-21.

Allele frequency attached by ClinVar (database versions not stated): gnomAD exomes below 0.00001; gnomAD 0.00001; TOPMed 0.00002.
gnomAD v4.1: 1 of 1,604,782 alleles (0.000062%); highest among the groups gnomAD compares: African/African-American, 0.0013%; no homozygotes.

Submissions (2):

Labcorp Genetics (formerly Invitae), Labcorp
Classification: Uncertain significance. Last evaluated: 2024-10-21. Review status: criteria provided, single submitter. Criteria: Invitae Variant Classification Sherloc (09022015). Collection method: clinical testing. Allele origin: germline.
Comment: This sequence change replaces methionine, which is neutral and non-polar, with isoleucine, which is neutral and non-polar, at codon 615 of the A2ML1 protein (p.Met615Ile). This variant is present in population databases (no rsID available, gnomAD 0.008%). This variant has not been reported in the literature in individuals affected with A2ML1-related conditions. ClinVar contains an entry for this variant (Variation ID: 1403325). An algorithm developed to predict the effect of missense changes on protein structure and function outputs the following: PolyPhen-2: "Benign". The isoleucine amino acid residue is found in multiple mammalian species, which suggests that this missense change does not adversely affect protein function. In summary, the available evidence is currently insufficient to determine the role of this variant in disease. Therefore, it has been classified as a Variant of Uncertain Significance.

Ambry Genetics
Classification: Uncertain significance. Last evaluated: 2024-09-30. Review status: criteria provided, single submitter. Criteria: Ambry Variant Classification Scheme 2023. Collection method: clinical testing. Allele origin: germline.

NM_144670.6(A2ML1):c.1845G>A (p.Met615Ile)

Gene: A2ML1 (alpha-2-macroglobulin like 1; plus strand). Cytogenetic location: 12p13.31.
Variant type: single nucleotide variant.
Coding change: c.1845G>A on transcript NM_144670.6 (MANE Select); coding-DNA position 1845, G replaced by A.
Protein change: p.Met615Ile; replaces methionine 615 with isoleucine.
Molecular consequence: missense variant.
Genome position (GRCh38, 1-based): chr12:8,848,731, G>A. VCF-style: chr12-8848731-G-A. GRCh37 (hg19) VCF-style: chr12-9001327-G-A.
Other names: c.1845G>A (NM_144670.3); c.372G>A, p.Met124Ile (NM_001282424.3); short protein forms M124I, M615I.
Identifiers: ClinVar variation 1403325 (VCV001403325.11), dbSNP rs1256253601, ClinGen allele CA383830051.